The following is an entry in ClinVar:

ClinVar aggregate classification (germline): Benign/Likely benign. Review status: criteria provided, multiple submitters, no conflicts (2 of 4 stars). 7 submissions from 7 submitters: Benign (1); Likely benign (5). 1 of the submissions does not count toward it. Last evaluated 2025-12-26.

Conditions:
Familial cancer of breast. Also called: hereditary breast carcinoma; BREAST CANCER, FAMILIAL; Hereditary breast cancer. Identifiers: Orphanet 227535, MedGen C0346153, MONDO:0016419, OMIM 114480. Disease mechanism: loss of function.
Malignant tumor of breast. Also called: Malignant breast neoplasm; Cancer breast. Identifiers: MedGen C0006142, MONDO:0007254. Disease mechanism: loss of function.
Hereditary cancer-predisposing syndrome. Also called: Tumor predisposition; Hereditary neoplastic syndrome; Neoplastic Syndromes, Hereditary; Hereditary Cancer Syndrome. Identifiers: Orphanet 140162, MedGen C0027672, MeSH D009386, MONDO:0015356.

Allele frequency attached by ClinVar (database versions not stated): gnomAD exomes below 0.00001 and 0.00001; TOPMed below 0.00001.
gnomAD v4.1: 3 of 1,614,172 alleles (0.00019%); highest among the groups gnomAD compares: South Asian, 0.0011%; no homozygotes.

Submissions (7):

Labcorp Genetics (formerly Invitae), Labcorp
Classification: Likely benign for Familial cancer of breast. Last evaluated: 2025-12-26. Review status: criteria provided, single submitter. Criteria: Invitae Variant Classification Sherloc (09022015). Collection method: clinical testing. Allele origin: germline.

Myriad Genetics, Inc.
Classification: Benign for Familial cancer of breast. Last evaluated: 2025-01-13. Review status: criteria provided, single submitter. Criteria: Myriad Autosomal Dominant, Autosomal Recessive and X-Linked Classification Criteria (2023). Collection method: clinical testing. Allele origin: unknown.
Comment: This variant is considered benign. This variant is a silent/synonymous amino acid change and it is not expected to impact splicing.

GeneDx
Classification: Likely benign. Last evaluated: 2019-03-19. Review status: criteria provided, single submitter. Criteria: GeneDx Variant Classification Process June 2021. Collection method: clinical testing. Allele origin: germline. Affected: yes.
Comment: This variant is associated with the following publications: (PMID: 26283626)

Color Diagnostics, LLC DBA Color Health
Classification: Likely benign for Hereditary cancer-predisposing syndrome. Last evaluated: 2018-11-30. Review status: criteria provided, single submitter. Criteria: ACMG Guidelines, 2015. Collection method: clinical testing. Allele origin: germline.

Ambry Genetics
Classification: Likely benign for Hereditary cancer-predisposing syndrome. Last evaluated: 2016-01-05. Review status: criteria provided, single submitter. Criteria: Ambry Variant Classification Scheme 2023. Collection method: clinical testing. Allele origin: germline.

Cancer Genetics Laboratory, Peter MacCallum Cancer Centre
Classification: Likely benign for Familial cancer of breast. Last evaluated: 2015-06-01. Review status: criteria provided, single submitter. Criteria: Thompson et al. (Breast Cancer Res. 2015). Collection method: case-control. Allele origin: germline. Affected: no. Observed: 1 variant allele, 1 heterozygote.

Department of Pathology and Laboratory Medicine, Sinai Health System
Classification: Likely benign for Malignant tumor of breast. Review status: no assertion criteria provided. Collection method: clinical testing. Allele origin: unknown. Affected: yes. Study: The Canadian Open Genetics Repository (COGR). Not counted in ClinVar's aggregate classification.
Comment: The PALB2 p.Arg414= variant was identified in an Australian population based study in 1 of 3996 chromosomes from healthy individuals (frequency: 0.000) and was not identified in 3992 proband chromosomes from individuals with breast or ovarian cancer (Thompson_2015_26283626). The variant was also identified in ClinVar (classified likely benign by GeneDx and Ambry Genetics), Clinvitae (2x) and in control databases in 1 of 245888 chromosomes at a frequency of 0.000004 (Genome Aggregation Database Feb 27, 2017). Breakdown of the observations by population include European Non-Finnish in 1 of 111408 chromosomes (freq: 0.000009), while not observed in the African, Other, Latino, Ashkenazi Jewish, East Asian, European Finnish, and South Asian populations. The variant was not identified in Cosmic, MutDB, LOVD 3.0, or Zhejiang Colon Cancer Database. The p.Arg414= variant is not expected to have clinical significance because it does not result in a change of amino acid and is not located in a known consensus splice site. In summary, based on the above information the clinical significance of this variant cannot be determined with certainty at this time although we would lean towards a more benign role for this variant. This variant is classified as likely benign.

NM_024675.4(PALB2):c.1242A>C (p.Arg414=)

Gene: PALB2 (partner and localizer of BRCA2; minus strand). Cytogenetic location: 16p12.2.
Variant type: single nucleotide variant.
Coding change: c.1242A>C on transcript NM_024675.4 (MANE Select); coding-DNA position 1242, A replaced by C.
Protein change: p.Arg414=; no amino-acid change (arginine 414 retained).
Molecular consequence: synonymous variant.
Genome position (GRCh38, 1-based): chr16:23,635,304, T>G on the plus strand (A>C on the coding strand, the complement: PALB2 is on the minus strand). VCF-style: chr16-23635304-T-G. GRCh37 (hg19) VCF-style: chr16-23646625-T-G.
Identifiers: ClinVar variation 225858 (VCV000225858.22), dbSNP rs875989795, ClinGen allele CA10576113.
Genomic context (GRCh38, chr16:23,635,304, plus strand): 5'-ATCCAAATGACTCTGAATGACAGCCTCCACGGCTACTTTCCTCTGGCAATTGGACATGCT[T>G]CGTGTTGTTCTAACATAATATTCTGCAGGAAACAGAAGGCCTTCAGGCACTGTGCAAGAA-3'
Protein context (NP_078951.2, residues 404-424): FPAEYYVRTT[Arg414=]SMSNCQRKVA